The following is an entry in ClinVar:

NM_004304.5(ALK):c.4588_4589del (p.Arg1530fs)

Gene: ALK (ALK receptor tyrosine kinase; minus strand). Cytogenetic location: 2p23.2.
Variant type: Deletion.
Coding change: c.4588_4589del on transcript NM_004304.5 (MANE Select); coding-DNA positions 4588 to 4589, 2 bases deleted (AG; older notation c.4588_4589delAG).
Protein change: p.Arg1530fs; shifts the reading frame from arginine 1530.
Molecular consequence: frameshift variant.
Genome position (GRCh38, 1-based): chr2:29,193,498-29,193,499, CT deleted on the plus strand (AG on the coding strand, the reverse complement: ALK is on the minus strand). VCF-style (leftmost placement, unchanged base first): chr2-29193497-CCT-C. GRCh37 (hg19) VCF-style: chr2-29416363-CCT-C.
Other names: c.1384_1385del, p.Arg462fs (NM_001353765.2); short protein forms R1530fs, R462fs.
Identifiers: ClinVar variation 4040272 (VCV004040272.2).

ClinVar aggregate classification (germline): Uncertain significance (1 of 4 stars; one submission).

Conditions:
Hereditary cancer-predisposing syndrome. Also called: Neoplastic Syndromes, Hereditary; Tumor predisposition; Hereditary Cancer Syndrome; Hereditary neoplastic syndrome. Identifiers: Orphanet 140162, MedGen C0027672, MeSH D009386, MONDO:0015356.

Submission:

Ambry Genetics
Classification: Uncertain significance for Hereditary cancer-predisposing syndrome. Last evaluated: 2026-07-31. Review status: criteria provided, single submitter. Criteria: Ambry Variant Classification Scheme 2023. Collection method: clinical testing. Allele origin: germline.
Comment: The c.4588_4589delAG variant, located in coding exon 29 of the ALK gene, results from a deletion of two nucleotides at nucleotide positions 4588 to 4589, causing a translational frameshift with a predicted alternate stop codon (p.R1530Gfs*2). This variant occurs at the 3' terminus of the gene and is not expected to trigger nonsense-mediated mRNA decay. Based on the available evidence, the clinical significance of this variant remains unclear.